The following is an entry in ClinVar:

NM_001040142.2(SCN2A):c.5580T>G (p.Ala1860=)

Gene: SCN2A (sodium voltage-gated channel alpha subunit 2; plus strand). Cytogenetic location: 2q24.3.
Variant type: single nucleotide variant.
Coding change: c.5580T>G on transcript NM_001040142.2 (MANE Select); coding-DNA position 5580, T replaced by G.
Protein change: p.Ala1860=; no amino-acid change (alanine 1860 retained).
Molecular consequence: synonymous variant.
Genome position (GRCh38, 1-based): chr2:165,389,386, T>G. VCF-style: chr2-165389386-T-G. GRCh37 (hg19) VCF-style: chr2-166245896-T-G.
Other names: c.5580T>G, p.Ala1860= (NM_001040143.2, NM_001371246.1, NM_001371247.1 and 1 more transcripts).
Identifiers: ClinVar variation 374580 (VCV000374580.53), dbSNP rs752845880, ClinGen allele CA1940404.

ClinVar aggregate classification (germline): Conflicting classifications of pathogenicity. Review status: criteria provided, conflicting classifications (1 of 4 stars). 5 submissions from 5 submitters: Uncertain significance (1); Likely benign (4). Last evaluated 2025-11-24.

Conditions:
Seizures, benign familial infantile, 3 (BFIS3). Also called: Familial neonatal seizures; CONVULSIONS, BENIGN FAMILIAL INFANTILE, 3. Identifiers: Orphanet 140927, Orphanet 306, MedGen C1843140, MONDO:0011904, OMIM 607745.
Developmental and epileptic encephalopathy, 11 (DEE11). Also called: Early infantile epileptic encephalopathy 11. Identifiers: Orphanet 1934, MedGen C3150987, MONDO:0013388, OMIM 613721.
Inborn genetic diseases. Identifiers: MedGen C0950123, MeSH D030342.

Allele frequency attached by ClinVar (database versions not stated): ExAC 0.00001; gnomAD 0.00001; gnomAD exomes 0.00001; TOPMed 0.00002.
gnomAD v4.1: 18 of 1,613,872 alleles (0.0011%); highest among the groups gnomAD compares: South Asian, 0.0099%; no homozygotes.

Submissions (5):

Labcorp Genetics (formerly Invitae), Labcorp
Classification: Likely benign for Seizures, benign familial infantile, 3; Developmental and epileptic encephalopathy, 11. Last evaluated: 2025-11-24. Review status: criteria provided, single submitter. Criteria: Invitae Variant Classification Sherloc (09022015). Collection method: clinical testing. Allele origin: germline.

Blueprint Genetics
Classification: Likely benign. Last evaluated: 2024-02-23. Review status: criteria provided, single submitter. Criteria: ACMG Guidelines, 2015. Collection method: clinical testing. Allele origin: germline.

Ambry Genetics
Classification: Likely benign for Inborn genetic diseases. Last evaluated: 2020-03-19. Review status: criteria provided, single submitter. Criteria: Ambry Variant Classification Scheme 2023. Collection method: clinical testing. Allele origin: germline.

GeneDx
Classification: Likely benign. Last evaluated: 2018-06-01. Review status: criteria provided, single submitter. Criteria: GeneDx Variant Classification (06012015). Collection method: clinical testing. Allele origin: germline. Affected: yes.
Comment: This variant is considered likely benign or benign based on one or more of the following criteria: it is a conservative change, it occurs at a poorly conserved position in the protein, it is predicted to be benign by multiple in silico algorithms, and/or has population frequency not consistent with disease.

CeGaT Center for Human Genetics Tuebingen
Classification: Uncertain significance. Last evaluated: 2016-08-01. Review status: criteria provided, single submitter. Criteria: CeGaT Center For Human Genetics Tuebingen Variant Classification Criteria Version 2. Collection method: clinical testing. Allele origin: germline. Affected: yes. Observed: 1 variant allele.